The following is an entry in ClinVar:

NM_001783.4(CD79A):c.643A>G (p.Ser215Gly)

Genes: CD79A (CD79a molecule; plus strand), RPS19-CD79A (RPS19-CD79A readthrough; plus strand). Cytogenetic location: 19q13.2.
Variant type: single nucleotide variant.
Coding change: c.643A>G on transcript NM_001783.4 (MANE Select); coding-DNA position 643, A replaced by G.
Protein change: p.Ser215Gly; replaces serine 215 with glycine.
Molecular consequence: missense variant.
Genome position (GRCh38, 1-based): chr19:41,880,942, A>G. VCF-style: chr19-41880942-A-G. GRCh37 (hg19) VCF-style: chr19-42385009-A-G.
Other names: c.643A>G (NM_001783.3); c.529A>G, p.Ser177Gly (NM_021601.4); short protein forms S215G, S177G.
Identifiers: ClinVar variation 133836 (VCV000133836.10), dbSNP rs550589218, ClinGen allele CA157921.

ClinVar aggregate classification (germline): Uncertain significance. Review status: criteria provided, multiple submitters, no conflicts (2 of 4 stars). 4 submissions from 4 submitters: Uncertain significance (3). 1 of the submissions does not count toward it. Last evaluated 2025-12-08.

Conditions:
Agammaglobulinemia 3, autosomal recessive (AGM3). Also called: AGAMMAGLOBULINEMIA 3; AGAMMAGLOBULINEMIA, AUTOSOMAL RECESSIVE, DUE TO CD79A DEFECT. Identifiers: MedGen C3150751, MONDO:0013288, OMIM 613501.

Allele frequency attached by ClinVar (database versions not stated): gnomAD below 0.00001 and 0.00003; TOPMed 0.00002; 1000 Genomes Project 30x 0.00016; 1000 Genomes Project 0.00020; ExAC 0.00044.
gnomAD v4.1: 98 of 1,596,668 alleles (0.0061%); highest among the groups gnomAD compares: South Asian, 0.1%; no homozygotes.

Submissions (4):

Genetics and Genomic Medicine Centre, NeuroGen Healthcare, NeuroGen Healthcare
Classification: Uncertain significance for Agammaglobulinemia 3, autosomal recessive. Last evaluated: 2025-12-08. Review status: criteria provided, single submitter. Criteria: ACMG Guidelines, 2015. Collection method: clinical testing. Allele origin: unknown. Affected: yes.

Ambry Genetics
Classification: Uncertain significance. Last evaluated: 2024-07-14. Review status: criteria provided, single submitter. Criteria: Ambry Variant Classification Scheme 2023. Collection method: clinical testing. Allele origin: germline.

Labcorp Genetics (formerly Invitae), Labcorp
Classification: Uncertain significance for Agammaglobulinemia 3, autosomal recessive. Last evaluated: 2024-02-24. Review status: criteria provided, single submitter. Criteria: Invitae Variant Classification Sherloc (09022015). Collection method: clinical testing. Allele origin: germline.
Comment: This sequence change replaces serine, which is neutral and polar, with glycine, which is neutral and non-polar, at codon 215 of the CD79A protein (p.Ser215Gly). This variant is present in population databases (rs550589218, gnomAD 0.1%). This variant has not been reported in the literature in individuals affected with CD79A-related conditions. ClinVar contains an entry for this variant (Variation ID: 133836). An algorithm developed to predict the effect of missense changes on protein structure and function (PolyPhen-2) suggests that this variant is likely to be disruptive. In summary, the available evidence is currently insufficient to determine the role of this variant in disease. Therefore, it has been classified as a Variant of Uncertain Significance.

ITMI
No classification provided. Condition: AllHighlyPenetrant. Last evaluated: 2013-09-19. Review status: no classification provided. Collection method: reference population. Allele origin: germline. Not counted in ClinVar's aggregate classification.
Comment: Please see associated publication for description of ethnicities

Literature cited by the submitters: PubMed 24728327 (cited by ITMI).